The following is an entry in ClinVar:

NM_025136.4(OPA3):c.398T>G (p.Leu133Arg)

Genes: OPA3 (outer mitochondrial membrane lipid metabolism regulator OPA3; minus strand), OPA3-RTN2 (OPA3-RTN2 readthrough; minus strand). Cytogenetic location: 19q13.32.
Variant type: single nucleotide variant.
Coding change: c.398T>G on transcript NM_025136.4 (MANE Select); coding-DNA position 398, T replaced by G.
Protein change: p.Leu133Arg; replaces leucine 133 with arginine.
Molecular consequence: missense variant. On other transcripts: intron variant (1).
Genome position (GRCh38, 1-based): chr19:45,553,656, A>C on the plus strand (T>G on the coding strand, the complement: OPA3 is on the minus strand). VCF-style: chr19-45553656-A-C. GRCh37 (hg19) VCF-style: chr19-46056914-A-C.
Other names: c.143-24200T>G (NM_001017989.3); short protein forms L133R.
Identifiers: ClinVar variation 3042559 (VCV003042559.2), dbSNP rs1050720638, ClinGen allele CA308958828.

ClinVar aggregate classification (germline): Uncertain significance (0 of 4 stars; one submission).

Conditions:
OPA3-related disorder. Also called: OPA3-related condition.

Allele frequency attached by ClinVar (database versions not stated): gnomAD exomes below 0.00001; TOPMed 0.00002.
gnomAD v4.1: 2 of 1,604,818 alleles (0.00012%); highest among the groups gnomAD compares: African/African-American, 0.0013%; no homozygotes.

Submission:

PreventionGenetics, part of Exact Sciences
Classification: Uncertain significance for OPA3-related condition. Last evaluated: 2023-12-16. Review status: no assertion criteria provided. Collection method: clinical testing. Allele origin: germline.
Comment: The OPA3 c.398T>G variant is predicted to result in the amino acid substitution p.Leu133Arg. To our knowledge, this variant has not been reported in the literature or in a large population database, indicating this variant is rare. At this time, the clinical significance of this variant is uncertain due to the absence of conclusive functional and genetic evidence.